The following is an entry in ClinVar:

NM_000368.5(TSC1):c.1916G>T (p.Gly639Val)

Gene: TSC1 (TSC complex subunit 1; minus strand). Cytogenetic location: 9q34.13.
Variant type: single nucleotide variant.
Coding change: c.1916G>T on transcript NM_000368.5 (MANE Select); coding-DNA position 1916, G replaced by T.
Protein change: p.Gly639Val; replaces glycine 639 with valine.
Molecular consequence: missense variant.
Genome position (GRCh38, 1-based): chr9:132,905,662, C>A on the plus strand (G>T on the coding strand, the complement: TSC1 is on the minus strand). VCF-style: chr9-132905662-C-A. GRCh37 (hg19) VCF-style: chr9-135781049-C-A.
Other names: c.1913G>T, p.Gly638Val (NM_001162426.2); c.1763G>T, p.Gly588Val (NM_001162427.2); c.1553G>T, p.Gly518Val (NM_001362177.2); short protein forms G639V, G588V, G638V, G518V.
Identifiers: ClinVar variation 411257 (VCV000411257.66), dbSNP rs372583166, ClinGen allele CA030103.
Genomic context (GRCh38, chr9:132,905,662, plus strand): 5'-GCGTCTGCTCCCTGCTGTATCAGTCTGTCCAGCACTTCCATTGGGGAGGTAGAGGGCACA[C>A]CATCTTCCTCTGTGTTTCCTTTTGCTTTCTTTAACAGCTCCTCAGTCTTCCTGATGACAA-3'
Protein context (NP_000359.1, residues 629-649): KKAKGNTEED[Gly639Val]VPSTSPMEVL

ClinVar aggregate classification (germline): Conflicting classifications of pathogenicity. Review status: criteria provided, conflicting classifications (1 of 4 stars). 11 submissions from 11 submitters: Uncertain significance (1); Benign (3); Likely benign (7). Last evaluated 2026-01-05.

Conditions:
TSC1-related disorder. Also called: TSC1-related condition.
Hereditary cancer-predisposing syndrome. Also called: Tumor predisposition; Hereditary neoplastic syndrome; Hereditary Cancer Syndrome; Neoplastic Syndromes, Hereditary. Identifiers: Orphanet 140162, MedGen C0027672, MeSH D009386, MONDO:0015356.
Lymphangiomyomatosis (LAM). Also called: Lymphangioleiomyomatosis, somatic; Lymphangioleiomyomatosis. Identifiers: Orphanet 538, MedGen C0751674, MONDO:0011705, OMIM 606690.
Isolated focal cortical dysplasia type II (FCORD2). Also called: CORTICAL DYSPLASIA OF TAYLOR; Focal cortical dysplasia type II. Identifiers: Orphanet 268994, MedGen C1846385, MONDO:0011818, OMIM 607341, HP:0032051.
Tuberous sclerosis 1 (TSC1). Identifiers: Orphanet 805, MedGen C1854465, MONDO:0008612, OMIM 191100.
Tuberous sclerosis syndrome (TSC). Also called: Tuberous Sclerosis Complex; Tuberous sclerosis. Identifiers: Orphanet 805, MedGen C0041341, MONDO:0001734.

Allele frequency attached by ClinVar (database versions not stated): TOPMed 0.00003; gnomAD 0.00005; ESP Exome Variant Server 0.00008.
gnomAD v4.1: 63 of 1,614,118 alleles (0.0039%); highest among the groups gnomAD compares: Middle Eastern, 0.016%; 1 homozygote.

Submissions (11):

Labcorp Genetics (formerly Invitae), Labcorp
Classification: Benign for Tuberous sclerosis 1. Last evaluated: 2026-01-05. Review status: criteria provided, single submitter. Criteria: Invitae Variant Classification Sherloc (09022015). Collection method: clinical testing. Allele origin: germline.

PreventionGenetics, part of Exact Sciences
Classification: Likely benign for TSC1-related condition. Last evaluated: 2025-11-02. Review status: criteria provided, single submitter. Criteria: ACMG Guidelines, 2015. Collection method: clinical testing. Allele origin: germline.
Comment: This variant is classified as likely benign based on ACMG/AMP sequence variant interpretation guidelines (Richards et al. 2015 PMID: 25741868, with internal and published modifications).

Myriad Genetics, Inc.
Classification: Likely benign for Tuberous sclerosis 1. Last evaluated: 2025-04-10. Review status: criteria provided, single submitter. Criteria: Myriad Autosomal Dominant, Autosomal Recessive and X-Linked Classification Criteria (2023). Collection method: clinical testing. Allele origin: unknown.
Comment: This variant is considered likely benign. This variant has been observed at a population frequency that is significantly greater than expected given the associated disease prevalence and penetrance.

Blueprint Genetics
Classification: Likely benign. Last evaluated: 2024-01-11. Review status: criteria provided, single submitter. Criteria: ACMG Guidelines, 2015. Collection method: clinical testing. Allele origin: germline.

Color Diagnostics, LLC DBA Color Health
Classification: Likely benign for Tuberous sclerosis syndrome. Last evaluated: 2023-01-17. Review status: criteria provided, single submitter. Criteria: ACMG Guidelines, 2015. Collection method: clinical testing. Allele origin: germline.

Department of Pathology and Laboratory Medicine, Sinai Health System
Classification: Likely benign for Tuberous sclerosis 1; Lymphangiomyomatosis; Isolated focal cortical dysplasia type II. Last evaluated: 2022-08-30. Review status: criteria provided, single submitter. Criteria: ACMG Guidelines, 2015. Collection method: clinical testing. Allele origin: germline. Affected: yes.

Genome-Nilou Lab
Classification: Benign for Tuberous sclerosis 1. Last evaluated: 2021-11-07. Review status: criteria provided, single submitter. Criteria: ACMG Guidelines, 2015. Collection method: clinical testing. Allele origin: germline. Affected: no.

Sema4
Classification: Benign for Hereditary cancer-predisposing syndrome. Last evaluated: 2021-07-20. Review status: criteria provided, single submitter. Criteria: Sema4 Curation Guidelines. Collection method: curation. Allele origin: germline.

GeneDx
Classification: Likely benign. Last evaluated: 2020-02-06. Review status: criteria provided, single submitter. Criteria: GeneDx Variant Classification Process June 2021. Collection method: clinical testing. Allele origin: germline. Affected: yes.

CeGaT Center for Human Genetics Tuebingen
Classification: Uncertain significance. Last evaluated: 2019-10-01. Review status: criteria provided, single submitter. Criteria: CeGaT Center For Human Genetics Tuebingen Variant Classification Criteria Version 2. Collection method: clinical testing. Allele origin: germline. Affected: yes. Observed: 1 variant allele.

Ambry Genetics
Classification: Likely benign for Hereditary cancer-predisposing syndrome. Last evaluated: 2018-08-02. Review status: criteria provided, single submitter. Criteria: Ambry Variant Classification Scheme 2023. Collection method: clinical testing. Allele origin: germline.

Literature cited by the submitters: PubMed 30122538 (cited by Department of Pathology and Laboratory Medicine, Sinai Health System).